The following is an entry in ClinVar:

NM_032638.5(GATA2):c.1021_1024dup (p.Ala342fs)

Gene: GATA2 (GATA binding protein 2; minus strand). Cytogenetic location: 3q21.3.
Variant type: Duplication.
Coding change: c.1021_1024dup on transcript NM_032638.5 (MANE Select); coding-DNA positions 1021 to 1024, 4 bases duplicated (GCCG; older notation c.1021_1024dupGCCG).
Protein change: p.Ala342fs; shifts the reading frame from alanine 342.
Molecular consequence: frameshift variant. On other transcripts: intron variant (1).
Genome position (GRCh38, 1-based): chr3:128,481,938-128,481,941, CGGC duplicated on the plus strand (GCCG on the coding strand, the reverse complement: GATA2 is on the minus strand); duplicating any 4 consecutive bases within chr3:128,481,938-128,481,943 gives the same sequence; the c. name uses the placement nearest the transcript's 3' end. VCF-style (leftmost placement, unchanged base first): chr3-128481937-G-GCGGC. GRCh37 (hg19) VCF-style: chr3-128200780-G-GCGGC.
Other names: c.1021_1024dupGCCG (NM_032638.4); c.1021_1024dup, p.Ala342fs (NM_001145661.2); c.1018-39_1018-36dup (NM_001145662.1); c.1021_1024dup (NM_032638.4); short protein forms A342fs.
Identifiers: ClinVar variation 225277 (VCV000225277.3), dbSNP rs869320770, ClinGen allele CA10576018.

ClinVar aggregate classification (germline): Conflicting classifications of pathogenicity. Review status: criteria provided, conflicting classifications (1 of 4 stars). 4 submissions from 4 submitters: Likely pathogenic (2); Uncertain significance (1). 1 of the submissions does not count toward it. Last evaluated 2025-02-15.

Conditions:
Monocytopenia with susceptibility to infections. Also called: MONOCYTOPENIA AND MYCOBACTERIAL INFECTION SYNDROME; MONOCYTOPENIA WITH SUSCEPTIBILITY TO MYCOBACTERIAL, FUNGAL, AND PAPILLOMAVIRUS INFECTIONS AND MYELODYSPLASIA; COMBINED IMMUNODEFICIENCY WITH SUSCEPTIBILITY TO MYCOBACTERIAL, VIRAL, AND FUNGAL INFECTIONS; Dendritic cell, monocyte, B lymphocyte, and natural killer lymphocyte deficiency; IMMUNODEFICIENCY 21; GATA2 DEFICIENCY. Identifiers: Orphanet 228423, MedGen C3280030, MONDO:0013607, OMIM 614172.
Deafness-lymphedema-leukemia syndrome. Also called: Emberger syndrome; Lymphedema, primary, with myelodysplasia. Identifiers: Orphanet 3226, MedGen C3279664, MONDO:0013540, OMIM 614038.

Submissions (4):

GeneDx
Classification: Likely pathogenic. Last evaluated: 2025-02-15. Review status: criteria provided, single submitter. Criteria: GeneDx Variant Classification Process June 2021. Collection method: clinical testing. Allele origin: germline. Affected: yes.
Comment: Frameshift variant predicted to result in abnormal protein length as the last 139 amino acid(s) are replaced with 42 different amino acid(s), and other similar variants have been reported in HGMD; Not observed at significant frequency in large population cohorts (gnomAD); This variant is associated with the following publications: (PMID: 34469508, 34893945, 23365458, 1714909, 28179282)

Labcorp Genetics (formerly Invitae), Labcorp
Classification: Likely pathogenic for Dendritic cell, monocyte, B lymphocyte, and natural killer lymphocyte deficiency; Lymphedema, primary, with myelodysplasia. Last evaluated: 2019-06-04. Review status: criteria provided, single submitter. Criteria: Invitae Variant Classification Sherloc (09022015). Collection method: clinical testing. Allele origin: germline.
Comment: This sequence change results in a premature translational stop signal in the GATA2 gene (p.Ala342Glyfs*43). While this is not anticipated to result in nonsense mediated decay, it is expected to disrupt the last 139 amino acids of the GATA2 protein. This variant is not present in population databases (ExAC no frequency). This variant has been observed in an individual affected with NK-cell deficiency (PMID: 23365458). This variant is also known as c.1025_1026insGCCG in the literature. ClinVar contains an entry for this variant (Variation ID: 225277). Variants that disrupt the p.Arg396 amino acid residue in GATA2 have been observed in affected individuals (PMID: 21670465, 22430350, 22533337, 23223431, 24077845, 25624456). This suggests that it is a clinically significant residue, and that other variants that disrupt this residue are likely to be causative of disease. In summary, the currently available evidence indicates that the variant is pathogenic, but additional data are needed to prove that conclusively. Therefore, this variant has been classified as Likely Pathogenic.

Neuberg Centre For Genomic Medicine, NCGM
Classification: Uncertain significance for Monocytopenia with susceptibility to infections. Review status: criteria provided, single submitter. Criteria: ACMG Guidelines, 2015. Collection method: clinical testing. Allele origin: germline. Inheritance: Autosomal dominant inheritance. Affected: yes.
Comment: The frameshift variant c.1021_1024dup(p.Ala342GlyfsTer43) has been submitted to ClinVar as a Likely Pathogenic, but no details are available for independent assessment. The p.Ala342GlyfsTer43 variant is novel (not in any individuals) in gnomAD Exomes and 1000 Genomes. This variant causes a frameshift starting with codon Alanine 342, changes this amino acid to Glycine residue, and creates a premature Stop codon at position 43 of the new reading frame, denoted p.Ala342GlyfsTer43. Loss of function variants have been previously reported to be disease causing. However, this variant is present in the penultimate exon, functional studies will be required to prove protein truncation. Hence the variant is classified as Uncertain Significance (VUS).

OMIM
Classification: Pathogenic for IMMUNODEFICIENCY 21. Last evaluated: 1989-06-29. Review status: no assertion criteria provided. Collection method: literature only. Allele origin: germline. Not counted in ClinVar's aggregate classification.

Literature cited by the submitters: PubMed 24077845 (cited by Labcorp Genetics (formerly Invitae), Labcorp); PubMed 22533337 (cited by Labcorp Genetics (formerly Invitae), Labcorp); PubMed 25624456 (cited by Labcorp Genetics (formerly Invitae), Labcorp); PubMed 21670465 (cited by Labcorp Genetics (formerly Invitae), Labcorp); PubMed 22430350 (cited by Labcorp Genetics (formerly Invitae), Labcorp); PubMed 23223431 (cited by Labcorp Genetics (formerly Invitae), Labcorp); PubMed 23365458 (cited by Labcorp Genetics (formerly Invitae), Labcorp and OMIM); PubMed 2543925 (cited by OMIM).